The following is an entry in ClinVar:

NM_000256.3(MYBPC3):c.2098G>A (p.Asp700Asn)

Gene: MYBPC3 (myosin binding protein C3; minus strand). Cytogenetic location: 11p11.2.
Variant type: single nucleotide variant.
Coding change: c.2098G>A on transcript NM_000256.3 (MANE Select); coding-DNA position 2098, G replaced by A.
Protein change: p.Asp700Asn; replaces aspartic acid 700 with asparagine.
Molecular consequence: missense variant.
Genome position (GRCh38, 1-based): chr11:47,339,374, C>T on the plus strand (G>A on the coding strand, the complement: MYBPC3 is on the minus strand). VCF-style: chr11-47339374-C-T. GRCh37 (hg19) VCF-style: chr11-47360925-C-T.
Other names: short protein forms D700N.
Identifiers: ClinVar variation 920335 (VCV000920335.3), dbSNP rs2095885920, ClinGen allele CA380321032.
Genomic context (GRCh38, chr11:47,339,374, plus strand): 5'-TCTCACTCACCTTCTTGTCAAACACCCACTCATCGCTGTCACCTGTGTCCTCTGGGGCAT[C>T]TGGGGCTGGCCTGGCTGGGGCCTTATTCCCCTGGGAACAGGGCAGGAGGGAAGTAGGGAG-3'
Protein context (NP_000247.2, residues 690-710): GNKAPARPAP[Asp700Asn]APEDTGDSDE

ClinVar aggregate classification (germline): Uncertain significance (1 of 4 stars; one submission).

Conditions:
Cardiomyopathy (CMYO). Also called: Cardiomyopathies. Identifiers: Orphanet 167848, MedGen C0878544, MONDO:0004994, HP:0001638. Inheritance: Various modes of inheritance.

Submission:

Color Diagnostics, LLC DBA Color Health
Classification: Uncertain significance for Cardiomyopathy. Last evaluated: 2019-12-23. Review status: criteria provided, single submitter. Criteria: ACMG Guidelines, 2015. Collection method: clinical testing. Allele origin: germline.
Comment: This missense variant replaces aspartic acid with asparagine at codon 700 of the MYBPC3 protein. Computational prediction tool suggests that this variant may not impact protein structure and function (internally defined REVEL score threshold ≤0.5, PMID: 27666373). Splice site prediction tools suggest that this variant may not impact RNA splicing. To our knowledge, functional studies have not been performed for this variant. This variant has not been reported in individuals affected with cardiovascular disorders in the literature. This variant has not been identified in the general population by the Genome Aggregation Database (gnomAD). The available evidence is insufficient to determine the role of this variant in disease conclusively. Therefore, this variant is classified as a Variant of Uncertain Significance.